The following is an entry in ClinVar:

NM_001243133.2(NLRP3):c.790C>T (p.Leu264Phe)

Gene: NLRP3 (NLR family pyrin domain containing 3; plus strand). Cytogenetic location: 1q44.
Variant type: single nucleotide variant.
Coding change: c.790C>T on transcript NM_001243133.2 (MANE Select); coding-DNA position 790, C replaced by T.
Protein change: p.Leu264Phe; replaces leucine 264 with phenylalanine.
Molecular consequence: missense variant.
Genome position (GRCh38, 1-based): chr1:247,424,239, C>T. VCF-style: chr1-247424239-C-T. GRCh37 (hg19) VCF-style: chr1-247587541-C-T.
Other names: c.790C>T, p.Leu264Phe (NM_001079821.3, NM_001127461.3, NM_001127462.3 and 1 more transcripts); c.796C>T, p.Leu266Phe (NM_004895.5); short protein forms L266F, L264F.
Identifiers: ClinVar variation 97974 (VCV000097974.1), dbSNP rs180177476, ClinGen allele CA281371.
Genomic context (GRCh38, chr1:247,424,239, plus strand): 5'-GGGACACTCTACCAAGACAGGTTTGACTATCTGTTCTATATCCACTGTCGAGAGGTGAGC[C>T]TTGTGACACAGAGGAGCCTGGGGGACCTGATCATGAGCTGCTGCCCCGACCCAAACCCAC-3'
Protein context (NP_001230062.1, residues 254-274): LFYIHCREVS[Leu264Phe]VTQRSLGDLI

ClinVar aggregate classification (germline): not provided (0 of 4 stars; one submission).

Conditions:
Familial cold autoinflammatory syndrome 1 (FCAS1). Also called: CRYOPYRIN-ASSOCIATED PERIODIC SYNDROME 1; Familial cold inflammatory syndrome 1. Identifiers: Orphanet 47045, MedGen C4551895, MONDO:0007349, OMIM 120100.

Submission:

Unité médicale des maladies autoinflammatoires, CHRU Montpellier
No classification provided. Condition: Familial cold urticaria. Review status: no classification provided. Collection method: not provided. Allele origin: unknown.
Comment: also involved in OMIM 191900 and 607115